The following is an entry in ClinVar:

NC_000017.10:g.(?_41256119)_(41258570_?)del

Gene: BRCA1 (BRCA1 DNA repair associated; minus strand). Cytogenetic location: 17q21.31.
Variant type: Deletion.
Identifiers: ClinVar variation 2425740 (VCV002425740.6).

ClinVar aggregate classification (germline): Pathogenic (1 of 4 stars; one submission).

Conditions:
Hereditary breast ovarian cancer syndrome. Also called: Hereditary breast and ovarian cancer syndrome (HBOC); Breast and ovarian cancer; Hereditary breast and/or ovarian cancer syndrome; Hereditary breast and ovarian cancer; BRCA1- and BRCA2-Associated Hereditary Breast and Ovarian Cancer; Hereditary breast and ovarian cancer syndrome. Identifiers: Orphanet 145, MedGen C0677776, MeSH D061325, MONDO:0003582. Disease mechanism: loss of function.

Submission:

Labcorp Genetics (formerly Invitae), Labcorp
Classification: Pathogenic for Hereditary breast ovarian cancer syndrome. Last evaluated: 2022-10-23. Review status: criteria provided, single submitter. Criteria: Invitae Variant Classification Sherloc (09022015). Collection method: clinical testing. Allele origin: germline.
Comment: This variant is a gross deletion of the genomic region encompassing exon(s) 4-6 of the BRCA1 gene. This deletion is out-of-frame, and is expected to create a premature termination codon and result in an absent or disrupted protein product. Loss-of-function variants in BRCA1 are known to be pathogenic (PMID: 20104584). A similar copy number variant has been observed in individual(s) with breast and/or ovarian cancer (PMID: 16715518, 16772120, 18546071; Invitae). This variant is also known as deletion of exons 5-7. For these reasons, this variant has been classified as Pathogenic.

Literature cited by the submitters: PubMed 20104584; PubMed 16715518; PubMed 16772120; PubMed 18546071.